The following is an entry in ClinVar:

ClinVar aggregate classification (germline): Uncertain significance (1 of 4 stars; one submission).

Submission:

GeneDx
Classification: Uncertain significance. Last evaluated: 2023-08-01. Review status: criteria provided, single submitter. Criteria: GeneDx Variant Classification Process June 2021. Collection method: clinical testing. Allele origin: germline. Affected: yes.
Comment: Not observed at significant frequency in large population cohorts (gnomAD); In silico analysis supports a deleterious effect on splicing; Has not been previously published as pathogenic or benign to our knowledge

NM_000540.3(RYR1):c.3381+6T>A

Gene: RYR1 (ryanodine receptor 1; plus strand). Cytogenetic location: 19q13.2.
Variant type: single nucleotide variant.
Coding change: c.3381+6T>A on transcript NM_000540.3 (MANE Select); 6 bases into the intron after coding-DNA position 3381, T replaced by A.
Molecular consequence: intron variant.
Genome position (GRCh38, 1-based): chr19:38,467,818, T>A. VCF-style: chr19-38467818-T-A. GRCh37 (hg19) VCF-style: chr19-38958458-T-A.
Other names: c.3381+6T>A (NM_001042723.2).
Identifiers: ClinVar variation 3361923 (VCV003361923.1).